The following is an entry in ClinVar:

ClinVar aggregate classification (germline): Uncertain significance. Review status: criteria provided, multiple submitters, no conflicts (2 of 4 stars). 3 submissions from 3 submitters: Uncertain significance (3). Last evaluated 2024-07-31.

Conditions:
Idiopathic generalized epilepsy. Also called: EIG; Generalised epilepsy. Identifiers: MedGen C0270850, MONDO:0005579, OMIM 600669.
Hyperaldosteronism, familial, type IV (HALD4). Also called: FH IV; ALDOSTERONISM, PRIMARY, AND HYPERTENSION. Identifiers: Orphanet 642671, MedGen C4310756, MONDO:0014875, OMIM 617027.
Epilepsy, childhood absence, susceptibility to, 6. Identifiers: Orphanet 64280, MedGen C2749872, MONDO:0012763, OMIM 611942.
Inborn genetic diseases. Identifiers: MedGen C0950123, MeSH D030342.

Allele frequency attached by ClinVar (database versions not stated): gnomAD 0.00001; gnomAD exomes 0.00001; TOPMed 0.00001.
gnomAD v4.1: 5 of 1,600,050 alleles (0.00031%); highest among the groups gnomAD compares: African/African-American, 0.0013%; no homozygotes.

Submissions (3):

Ambry Genetics
Classification: Uncertain significance for Inborn genetic diseases. Last evaluated: 2024-07-31. Review status: criteria provided, single submitter. Criteria: Ambry Variant Classification Scheme 2023. Collection method: clinical testing. Allele origin: germline.

Labcorp Genetics (formerly Invitae), Labcorp
Classification: Uncertain significance for Idiopathic generalized epilepsy; Hyperaldosteronism, familial, type IV. Last evaluated: 2024-02-24. Review status: criteria provided, single submitter. Criteria: Invitae Variant Classification Sherloc (09022015). Collection method: clinical testing. Allele origin: germline.
Comment: This sequence change replaces serine, which is neutral and polar, with threonine, which is neutral and polar, at codon 942 of the CACNA1H protein (p.Ser942Thr). This variant is not present in population databases (gnomAD no frequency). This variant has not been reported in the literature in individuals affected with CACNA1H-related conditions. ClinVar contains an entry for this variant (Variation ID: 844087). Advanced modeling of protein sequence and biophysical properties (such as structural, functional, and spatial information, amino acid conservation, physicochemical variation, residue mobility, and thermodynamic stability) performed at Invitae indicates that this missense variant is not expected to disrupt CACNA1H protein function with a negative predictive value of 80%. In summary, the available evidence is currently insufficient to determine the role of this variant in disease. Therefore, it has been classified as a Variant of Uncertain Significance.

Fulgent Genetics
Classification: Uncertain significance for Epilepsy, childhood absence, susceptibility to, 6; Hyperaldosteronism, familial, type IV. Last evaluated: 2022-04-12. Review status: criteria provided, single submitter. Criteria: ACMG Guidelines, 2015. Collection method: clinical testing. Allele origin: unknown.

NM_021098.3(CACNA1H):c.2825G>C (p.Ser942Thr)

Gene: CACNA1H (calcium voltage-gated channel subunit alpha1 H; plus strand). Cytogenetic location: 16p13.3.
Variant type: single nucleotide variant.
Coding change: c.2825G>C on transcript NM_021098.3 (MANE Select); coding-DNA position 2825, G replaced by C.
Protein change: p.Ser942Thr; replaces serine 942 with threonine.
Molecular consequence: missense variant.
Genome position (GRCh38, 1-based): chr16:1,207,036, G>C. VCF-style: chr16-1207036-G-C. GRCh37 (hg19) VCF-style: chr16-1257036-G-C.
Other names: c.2825G>C, p.Ser942Thr (NM_001005407.2); short protein forms S942T.
Identifiers: ClinVar variation 844087 (VCV000844087.11), dbSNP rs1012165881, ClinGen allele CA276660523.